The following is an entry in ClinVar:

NM_198129.4(LAMA3):c.9498_9511+6del

Gene: LAMA3 (laminin subunit alpha 3; plus strand). Cytogenetic location: 18q11.2.
Variant type: Deletion.
Coding change: c.9498_9511+6del on transcript NM_198129.4 (MANE Select); coding-DNA position 9498 through 6 bases into the intron after coding-DNA position 9511, 20 bases deleted (TCATGTCGTCTTGGGTAAGG).
Molecular consequence: splice donor variant.
Genome position (GRCh38, 1-based): chr18:23,949,911-23,949,930, TCATGTCGTCTTGGGTAAGG deleted; deleting any 20 consecutive bases within chr18:23,949,908-23,949,930 gives the same sequence; the c. name uses the placement nearest the transcript's 3' end. VCF-style (leftmost placement, unchanged base first): chr18-23949907-GAGGTCATGTCGTCTTGGGTA-G. GRCh37 (hg19) VCF-style: chr18-21529871-GAGGTCATGTCGTCTTGGGTA-G.
Other names: c.9330_9343+6del (NM_001127717.4); c.4671_4684+6del (NM_000227.6); c.4503_4516+6del (NM_001127718.4).
Identifiers: ClinVar variation 3673127 (VCV003673127.2).

ClinVar aggregate classification (germline): Likely pathogenic (1 of 4 stars; one submission).

Submission:

Labcorp Genetics (formerly Invitae), Labcorp
Classification: Likely pathogenic. Last evaluated: 2024-01-31. Review status: criteria provided, single submitter. Criteria: Invitae Variant Classification Sherloc (09022015). Collection method: clinical testing. Allele origin: germline.
Comment: This variant results in the deletion of part of exon 34 (c.4671_4684+6del) of the LAMA3 gene. It is expected to disrupt RNA splicing. Variants that disrupt the donor or acceptor splice site typically lead to a loss of protein function (PMID: 16199547), and loss-of-function variants in LAMA3 are known to be pathogenic (PMID: 10366601, 11810295, 12915477, 16473856, 17362460, 22434185, 23869449, 27827380, 28087116). This variant is not present in population databases (gnomAD no frequency). This variant has not been reported in the literature in individuals affected with LAMA3-related conditions. In summary, the currently available evidence indicates that the variant is pathogenic, but additional data are needed to prove that conclusively. Therefore, this variant has been classified as Likely Pathogenic.

Literature cited by the submitters: PubMed 16199547; PubMed 10366601; PubMed 11810295; PubMed 12915477; PubMed 16473856; PubMed 17362460; PubMed 22434185; PubMed 23869449; PubMed 27827380; PubMed 28087116.